The following is an entry in ClinVar:

ClinVar aggregate classification (germline): Uncertain significance (1 of 4 stars; one submission).

gnomAD v4.1: 1 of 1,580,848 alleles (0.000063%); highest among the groups gnomAD compares: Middle Eastern, 0.017%; no homozygotes.

Submission:

GeneDx
Classification: Uncertain significance. Last evaluated: 2025-01-13. Review status: criteria provided, single submitter. Criteria: GeneDx Variant Classification Process June 2021. Collection method: clinical testing. Allele origin: germline. Affected: yes.
Comment: Not observed at significant frequency in large population cohorts (gnomAD); In silico analysis indicates that this missense variant does not alter protein structure/function; Has not been previously published as pathogenic or benign to our knowledge

NM_001017975.6(HFM1):c.252T>G (p.Ile84Met)

Gene: HFM1 (helicase for meiosis 1; minus strand). Cytogenetic location: 1p22.2.
Variant type: single nucleotide variant.
Coding change: c.252T>G on transcript NM_001017975.6 (MANE Select); coding-DNA position 252, T replaced by G.
Protein change: p.Ile84Met; replaces isoleucine 84 with methionine.
Molecular consequence: missense variant. On other transcripts: non-coding transcript variant (1).
Genome position (GRCh38, 1-based): chr1:91,394,335, A>C on the plus strand (T>G on the coding strand, the complement: HFM1 is on the minus strand). VCF-style: chr1-91394335-A-C. GRCh37 (hg19) VCF-style: chr1-91859892-A-C.
Other names: short protein forms I84M.
Identifiers: ClinVar variation 4070663 (VCV004070663.1).